The following is an entry in ClinVar:

NM_000719.7(CACNA1C):c.4892_4900dup (p.Lys1633_Arg1634insLeuLysLys)

Genes: CACNA1C (calcium voltage-gated channel subunit alpha1 C; plus strand), CACNA1C-AS1 (CACNA1C antisense RNA 1; minus strand). Cytogenetic location: 12p13.33.
Variant type: Duplication.
Coding change: c.4892_4900dup on transcript NM_000719.7 (MANE Select); coding-DNA positions 4892 to 4900, 9 bases duplicated (TCAAGAAGC; older notation c.4892_4900dupTCAAGAAGC).
Protein change: p.Lys1633_Arg1634insLeuLysLys.
Molecular consequence: inframe insertion. On other transcripts: non-coding transcript variant (1).
Genome position (GRCh38, 1-based): chr12:2,677,157-2,677,165, TCAAGAAGC duplicated. VCF-style (leftmost placement, unchanged base first): chr12-2677156-T-TTCAAGAAGC. GRCh37 (hg19) VCF-style: chr12-2786322-T-TTCAAGAAGC.
Other names: c.5036_5044dup, p.Lys1681_Arg1682insLeuLysLys (NM_001129827.2, NM_199460.4); c.5015_5023dup, p.Lys1674_Arg1675insLeuLysLys (NM_001129829.2); c.4892_4900dup, p.Lys1633_Arg1634insLeuLysLys (NM_001129830.3, NM_001129840.2, NM_001129841.2 and 4 more transcripts); c.4976_4984dup, p.Lys1661_Arg1662insLeuLysLys (NM_001129831.2); c.4952_4960dup, p.Lys1653_Arg1654insLeuLysLys (NM_001129832.2); c.4949_4957dup, p.Lys1652_Arg1653insLeuLysLys (NM_001129833.2, NM_001129834.2, NM_001129835.2); c.4943_4951dup, p.Lys1650_Arg1651insLeuLysLys (NM_001129836.2); c.4916_4924dup, p.Lys1641_Arg1642insLeuLysLys (NM_001129837.2, NM_001129838.2); and 3 more.
Identifiers: ClinVar variation 5018935 (VCV005018935.2).

ClinVar aggregate classification (germline): Uncertain significance (1 of 4 stars; one submission).

Conditions:
Neurodevelopmental disorder with hypotonia, language delay, and skeletal defects with or without seizures (NEDHLSS). Identifiers: MedGen C5774213, MONDO:0859286, OMIM 620029.
Long QT syndrome 8. Identifiers: MedGen CN260585, MONDO:0032756, OMIM 618447.
Timothy syndrome (TS). Also called: LONG QT SYNDROME WITH SYNDACTYLY. Identifiers: Orphanet 65283, MedGen C1832916, MeSH C536962, MONDO:0010979, OMIM 601005.
Brugada syndrome 3 (BRGDA3). Identifiers: Orphanet 130, MedGen C2678478, MONDO:0012742, OMIM 611875.

Submission:

Juno Genomics, Hangzhou Juno Genomics, Inc
Classification: Uncertain significance for Timothy syndrome; Neurodevelopmental disorder with hypotonia, language delay, and skeletal defects with or without seizures; Brugada syndrome 3; Long QT syndrome 8. Review status: criteria provided, single submitter. Criteria: ACMG Guidelines, 2015. Collection method: clinical testing. Allele origin: germline.
Comment: Absent from controls (or at extremely low frequency if recessive) in Genome Aggregation Database.;De novo (both maternity and paternity confirmed) in a patient with the disease and no family history.;Protein length changes due to in-frame deletions/insertions in a non-repeat region or stop-loss variants.